The following is an entry in ClinVar:

ClinVar aggregate classification (germline): Uncertain significance (1 of 4 stars; one submission).

Submission:

Labcorp Genetics (formerly Invitae), Labcorp
Classification: Uncertain significance. Last evaluated: 2023-01-23. Review status: criteria provided, single submitter. Criteria: Invitae Variant Classification Sherloc (09022015). Collection method: clinical testing. Allele origin: germline.
Comment: This variant is not present in population databases (gnomAD no frequency). This sequence change replaces phenylalanine, which is neutral and non-polar, with cysteine, which is neutral and slightly polar, at codon 309 of the HNF1B protein (p.Phe309Cys). This variant has not been reported in the literature in individuals affected with HNF1B-related conditions. In summary, the available evidence is currently insufficient to determine the role of this variant in disease. Therefore, it has been classified as a Variant of Uncertain Significance. Advanced modeling of protein sequence and biophysical properties (such as structural, functional, and spatial information, amino acid conservation, physicochemical variation, residue mobility, and thermodynamic stability) performed at Invitae indicates that this missense variant is not expected to disrupt HNF1B protein function.

NM_000458.4(HNF1B):c.926T>G (p.Phe309Cys)

Gene: HNF1B (HNF1 homeobox B; minus strand). Cytogenetic location: 17q12.
Variant type: single nucleotide variant.
Coding change: c.926T>G on transcript NM_000458.4 (MANE Select); coding-DNA position 926, T replaced by G.
Protein change: p.Phe309Cys; replaces phenylalanine 309 with cysteine.
Molecular consequence: missense variant.
Genome position (GRCh38, 1-based): chr17:37,731,714, A>C on the plus strand (T>G on the coding strand, the complement: HNF1B is on the minus strand). VCF-style: chr17-37731714-A-C. GRCh37 (hg19) VCF-style: chr17-36091705-A-C.
Other names: c.848T>G, p.Phe283Cys (NM_001165923.4, NM_001304286.2); c.926T>G, p.Phe309Cys (NM_001411100.1); short protein forms F283C, F309C.
Identifiers: ClinVar variation 2916044 (VCV002916044.3), dbSNP rs2511801428, ClinGen allele CA398746666.
Genomic context (GRCh38, chr17:37,731,714, plus strand): 5'-AGAGGGTTCAGGCTGTGAGTCTGGTTGGAGCTATAGGCGTCCATGGCCAGCTTTTGCCGG[A>C]ATGCCTCCTCCTTCCTGCGGTTTGCAAACCAGTTGTAGACACGGACCTCAGTGACCAAGT-3'
Protein context (NP_000449.1, residues 299-319): WFANRRKEEA[Phe309Cys]RQKLAMDAYS